The following is an entry in ClinVar:

NM_152564.5(VPS13B):c.11705_11709delinsAGAA (p.Thr3902fs)

Gene: VPS13B (vacuolar protein sorting 13 homolog B; plus strand). Cytogenetic location: 8q22.2.
Variant type: Indel.
Coding change: c.11705_11709delinsAGAA on transcript NM_152564.5 (MANE Select); coding-DNA positions 11705 to 11709, CAGTG replaced by AGAA.
Protein change: p.Thr3902fs; shifts the reading frame from threonine 3902.
Molecular consequence: frameshift variant.
Genome position (GRCh38, 1-based): chr8:99,871,657-99,871,661, CAGTG replaced by AGAA. VCF-style: chr8-99871657-CAGTG-AGAA. GRCh37 (hg19) VCF-style: chr8-100883885-CAGTG-AGAA.
Other names: c.11780_11784delinsAGAA, p.Thr3927fs (NM_017890.5); c.11780_11784delCAGTGinsAGAA (NM_017890.4, NM_017890.3); c.11705_11709delinsAGAA (NM_152564.4); short protein forms T3902fs, T3927fs.
Identifiers: ClinVar variation 189182 (VCV000189182.15), dbSNP rs386834067, ClinGen allele CA274469.

ClinVar aggregate classification (germline): Pathogenic/Likely pathogenic. Review status: criteria provided, multiple submitters, no conflicts (2 of 4 stars). 8 submissions from 8 submitters: Pathogenic (3); Likely pathogenic (4). 1 of the submissions does not count toward it. Last evaluated 2025-10-14.

Conditions:
VPS13B-related disorder. Also called: VPS13B-related condition.
Inborn genetic diseases. Identifiers: MedGen C0950123, MeSH D030342.
Cohen syndrome (COH1). Also called: Cutis verticis gyrata, retinitis pigmentosa, and sensorineural deafness; PEPPER SYNDROME. Identifiers: Orphanet 193, MedGen C0265223, MONDO:0008999, OMIM 216550.

Submissions (8):

Natera, Inc.
Classification: Likely pathogenic for Cohen syndrome. Last evaluated: 2025-10-14. Review status: criteria provided, single submitter. Criteria: Natera Variant Classification Schema (03/2026). Collection method: clinical testing. Allele origin: germline.
Comment: The c.11780_11784delCAGTGinsAGAA variant in VPS13B is a frameshift variant predicted to shift the reading frame beginning at codon 3927 and leads to a stop codon 15 codons downstream. This variant is expected to result in nonsense mediated decay, truncation, or a dysfunctional protein product. This variant is rare in the general population with a frequency below the threshold expected for the associated phenotype(s). This variant has been observed in one or more individuals affected with the associated recessive disease, as either homozygous or compound heterozygous with a second variant (PMID: 16648375). Given the available evidence, this variant is classified as Likely Pathogenic.

PreventionGenetics, part of Exact Sciences
Classification: Pathogenic for VPS13B-related condition. Last evaluated: 2025-01-24. Review status: criteria provided, single submitter. Criteria: ACMG Guidelines, 2015. Collection method: clinical testing. Allele origin: germline.
Comment: The VPS13B c.11705_11709delinsAGAA variant is predicted to result in a frameshift and premature protein termination (p.Thr3902Lysfs*15). This variant has been reported in the compound heterozygous state in an individual with Cohen syndrome (Seifert et al., 2006. PubMed ID: 16648375). This variant has not been reported in a large population database, indicating this variant is rare. Frameshift variants in VPS13B are expected to be pathogenic. This variant is interpreted as pathogenic.

Labcorp Genetics (formerly Invitae), Labcorp
Classification: Pathogenic for Cohen syndrome. Last evaluated: 2024-07-31. Review status: criteria provided, single submitter. Criteria: Invitae Variant Classification Sherloc (09022015). Collection method: clinical testing. Allele origin: germline.
Comment: This sequence change creates a premature translational stop signal (p.Thr3927Lysfs*15) in the VPS13B gene. While this is not anticipated to result in nonsense mediated decay, it is expected to disrupt the last 95 amino acid(s) of the VPS13B protein. Information on the frequency of this variant in the gnomAD database is not available, as this variant may be reported differently in the database. This premature translational stop signal has been observed in individuals with Cohen syndrome (PMID: 16648375). This variant is also known as two separate variants in cis (c.11780delC and c.11783TG>AA). This variant disrupts a region of the VPS13B protein in which other variant(s) (p.Asn3954Lysfs*60) have been determined to be pathogenic (PMID: 20656880). This suggests that this is a clinically significant region of the protein, and that variants that disrupt it are likely to be disease-causing. For these reasons, this variant has been classified as Pathogenic.

Fulgent Genetics
Classification: Likely pathogenic for Cohen syndrome. Last evaluated: 2024-04-19. Review status: criteria provided, single submitter. Criteria: ACMG Guidelines, 2015. Collection method: clinical testing. Allele origin: germline.

Blueprint Genetics
Classification: Likely pathogenic for VPS13B-related disorders. Last evaluated: 2022-07-27. Review status: criteria provided, single submitter. Criteria: ACMG Guidelines, 2015. Collection method: clinical testing. Allele origin: germline. Affected: yes. Observed: 1 variant allele.

Women's Health and Genetics/Laboratory Corporation of America, LabCorp
Classification: Pathogenic for Cohen syndrome. Last evaluated: 2020-06-16. Review status: criteria provided, single submitter. Criteria: LabCorp Variant Classification Summary - May 2015. Collection method: clinical testing. Allele origin: germline.
Comment: Variant summary: VPS13B c.11780_11784delinsAGAA (p.Thr3927LysfsX15) results in a premature termination codon, predicted to cause a truncation of the encoded protein or absence of the protein due to nonsense mediated decay, which are commonly known mechanisms for disease. Truncations downstream of this position have been classified as pathogenic by our laboratory. The variant was absent in 251434 control chromosomes. c.11780_11784delinsAGAA has been reported in the literature in at-least one individual affected with Cohen Syndrome (example, Seifert_2006). To our knowledge, no experimental evidence demonstrating an impact on protein function has been reported. Two clinical diagnostic laboratories have submitted clinical-significance assessments for this variant to ClinVar after 2014 without evidence for independent evaluation. All laboratories classified the variant as pathogenic (n=1)/likely pathogenic (n=1). Based on the evidence outlined above, the variant was classified as pathogenic.

Ambry Genetics
Classification: Likely pathogenic for Inborn genetic diseases. Last evaluated: 2020-01-15. Review status: criteria provided, single submitter. Criteria: Ambry Variant Classification Scheme 2023. Collection method: clinical testing. Allele origin: germline.
Comment: The alteration results in a premature stop codon: _x000D_ _x000D_ The c.11780_11784delCAGTGinsAGAA (p.T3927Kfs*15) alteration, located in exon 61 (coding exon 60) of the VPS13B gene, results from the deletion of 5 nucleotides and insertion of 4 nucleotides at positions 11780 to 11784, causing a translational frameshift with a predicted alternate stop codon after 15 amino acids. Frameshifts are typically deleterious in nature; however, this frameshift occurs at the 3' terminus of VPS13B, is not expected to trigger nonsense-mediated mRNA decay, and a truncated mutant protein could still be expressed (Maquat, 2004). This alteration impacts the last 82 amino acids of the protein and the exact functional impact of these altered amino acids is unknown at this time; however, other frameshift alterations downstream of this alteration have been reported in the in individuals with a phenotype consistent with Cohen syndrome (Kolehmainen, 2004; El Chehadeh, 2010). The alteration is rare in population databases:_x000D_ _x000D_ Based on data from the Genome Aggregation Database (gnomAD), the VPS13B c.11780_11784delCAGTGinsAGAA (p.T3927Kfs*15) alteration was observed in 0.0004% (1/251434) of total alleles studied. The alteration has been observed in affected individuals: _x000D_ _x000D_ This alteration was reported in a patient with suspected Cohen syndrome, whose phenotype included microcephaly, developmental delay, typical facial features, myopia, narrow hands/feet, and neutropenia, and who was heterozygous for a second frameshift alteration (Seifert, 2006). Based on the available evidence, this alteration is classified as likely pathogenic.

Counsyl
Classification: Likely pathogenic for Cohen syndrome. Last evaluated: 2015-02-13. Review status: no assertion criteria provided. Collection method: literature only. Allele origin: unknown. Inheritance: Autosomal recessive inheritance. Not counted in ClinVar's aggregate classification.

Literature cited by the submitters: PubMed 16648375 (cited by 5 submitters); PubMed 20656880 (cited by Labcorp Genetics (formerly Invitae), Labcorp and Ambry Genetics); PubMed 15141358 (cited by Ambry Genetics).